The following is an entry in ClinVar:

NM_001999.4(FBN2):c.8346T>A (p.His2782Gln)

Gene: FBN2 (fibrillin 2; minus strand). Cytogenetic location: 5q23.3.
Variant type: single nucleotide variant.
Coding change: c.8346T>A on transcript NM_001999.4 (MANE Select); coding-DNA position 8346, T replaced by A.
Protein change: p.His2782Gln; replaces histidine 2782 with glutamine.
Molecular consequence: missense variant.
Genome position (GRCh38, 1-based): chr5:128,261,754, A>T on the plus strand (T>A on the coding strand, the complement: FBN2 is on the minus strand). VCF-style: chr5-128261754-A-T. GRCh37 (hg19) VCF-style: chr5-127597446-A-T.
Other names: short protein forms H2782Q.
Identifiers: ClinVar variation 4779953 (VCV004779953.1).

ClinVar aggregate classification (germline): Uncertain significance (1 of 4 stars; one submission).

Conditions:
Congenital contractural arachnodactyly (CCA). Also called: BEALS SYNDROME; Arthrogryposis, distal, type 9; Beals-Hecht syndrome. Identifiers: Orphanet 115, MedGen C0220668, MONDO:0007363, OMIM 121050.

gnomAD v4.1: 1 of 1,614,114 alleles (0.000062%); highest among the groups gnomAD compares: African/African-American, 0.0013%; no homozygotes.

Submission:

Labcorp Genetics (formerly Invitae), Labcorp
Classification: Uncertain significance for Congenital contractural arachnodactyly. Last evaluated: 2025-12-13. Review status: criteria provided, single submitter. Criteria: Invitae Variant Classification Sherloc (09022015). Collection method: clinical testing. Allele origin: germline.
Comment: This sequence change replaces histidine, which is basic and polar, with glutamine, which is neutral and polar, at codon 2782 of the FBN2 protein (p.His2782Gln). This variant is not present in population databases (gnomAD no frequency). This variant has not been reported in the literature in individuals affected with FBN2-related conditions. Invitae Evidence Modeling of protein sequence and biophysical properties (such as structural, functional, and spatial information, amino acid conservation, physicochemical variation, residue mobility, and thermodynamic stability) indicates that this missense variant is not expected to disrupt FBN2 protein function with a negative predictive value of 80%. In summary, the available evidence is currently insufficient to determine the role of this variant in disease. Therefore, it has been classified as a Variant of Uncertain Significance.